The following is an entry in ClinVar:

ClinVar aggregate classification (germline): Uncertain significance (1 of 4 stars; one submission).

gnomAD v4.1: 1 of 1,614,202 alleles (0.000062%); highest among the groups gnomAD compares: Non-Finnish European, 0.000085%; no homozygotes.

Submission:

GeneDx
Classification: Uncertain significance. Last evaluated: 2024-08-21. Review status: criteria provided, single submitter. Criteria: GeneDx Variant Classification Process June 2021. Collection method: clinical testing. Allele origin: germline. Affected: yes.
Comment: Not observed at significant frequency in large population cohorts (gnomAD); In silico analysis indicates that this missense variant does not alter protein structure/function; Has not been previously published as pathogenic or benign to our knowledge

NM_013450.4(BAZ2B):c.4613A>G (p.Lys1538Arg)

Genes: BAZ2B (bromodomain adjacent to zinc finger domain 2B; minus strand), LOC126806390 (CDK7 strongly-dependent group 2 enhancer GRCh37_chr2:160205700-160206899; plus strand). Cytogenetic location: 2q24.2.
Variant type: single nucleotide variant.
Coding change: c.4613A>G on transcript NM_013450.4 (MANE Select); coding-DNA position 4613, A replaced by G.
Protein change: p.Lys1538Arg; replaces lysine 1538 with arginine.
Molecular consequence: missense variant.
Genome position (GRCh38, 1-based): chr2:159,349,958, T>C on the plus strand (A>G on the coding strand, the complement: BAZ2B is on the minus strand). VCF-style: chr2-159349958-T-C. GRCh37 (hg19) VCF-style: chr2-160206469-T-C.
Other names: c.4505A>G, p.Lys1502Arg (NM_001289975.1); c.4451A>G, p.Lys1484Arg (NM_001329857.2); c.4538A>G, p.Lys1513Arg (NM_001329858.2); short protein forms K1484R, K1502R, K1513R, K1538R.
Identifiers: ClinVar variation 3764471 (VCV003764471.1).